The following is an entry in ClinVar:

ClinVar aggregate classification (germline): Uncertain significance (1 of 4 stars; one submission).

Submission:

Labcorp Genetics (formerly Invitae), Labcorp
Classification: Uncertain significance. Last evaluated: 2024-11-13. Review status: criteria provided, single submitter. Criteria: Invitae Variant Classification Sherloc (09022015). Collection method: clinical testing. Allele origin: germline.
Comment: This sequence change replaces arginine, which is basic and polar, with leucine, which is neutral and non-polar, at codon 1799 of the MYO18B protein (p.Arg1799Leu). This variant is not present in population databases (gnomAD no frequency). This variant has not been reported in the literature in individuals affected with MYO18B-related conditions. An algorithm developed to predict the effect of missense changes on protein structure and function (PolyPhen-2) suggests that this variant is likely to be disruptive. In summary, the available evidence is currently insufficient to determine the role of this variant in disease. Therefore, it has been classified as a Variant of Uncertain Significance.

NM_032608.7(MYO18B):c.5396G>T (p.Arg1799Leu)

Gene: MYO18B (myosin XVIIIB; plus strand). Cytogenetic location: 22q12.1.
Variant type: single nucleotide variant.
Coding change: c.5396G>T on transcript NM_032608.7 (MANE Select); coding-DNA position 5396, G replaced by T.
Protein change: p.Arg1799Leu; replaces arginine 1799 with leucine.
Molecular consequence: missense variant.
Genome position (GRCh38, 1-based): chr22:25,921,288, G>T. VCF-style: chr22-25921288-G-T. GRCh37 (hg19) VCF-style: chr22-26317255-G-T.
Other names: c.5399G>T, p.Arg1800Leu (NM_001318245.2); short protein forms R1799L, R1800L.
Identifiers: ClinVar variation 3658543 (VCV003658543.2).